The following is an entry in ClinVar:

ClinVar aggregate classification (germline): Uncertain significance (1 of 4 stars; one submission).

Conditions:
Hereditary cancer-predisposing syndrome. Also called: Hereditary neoplastic syndrome; Tumor predisposition; Neoplastic Syndromes, Hereditary; Hereditary Cancer Syndrome. Identifiers: Orphanet 140162, MedGen C0027672, MeSH D009386, MONDO:0015356.

Submission:

Sema4
Classification: Uncertain significance for Hereditary cancer-predisposing syndrome. Last evaluated: 2021-05-25. Review status: criteria provided, single submitter. Criteria: Sema4 Curation Guidelines. Collection method: curation. Allele origin: germline.
Comment: The ALK c.2153G>T (p.G718V) variant has not been reported in the literature to our knowledge. It was not observed in the large and broad cohorts of the Genome Aggregation Database (PMID: 32461654). This variant has not been reported in ClinVar. Functional studies have not been performed, and in silico predictions of the variant's effect on protein function are inconclusive. The evidence is insufficient to meet ACMG/AMP criteria for classifying the variant as benign or pathogenic. Thus, the clinical significance of this variant is currently uncertain.

NM_004304.5(ALK):c.2153G>T (p.Gly718Val)

Gene: ALK (ALK receptor tyrosine kinase; minus strand). Cytogenetic location: 2p23.2.
Variant type: single nucleotide variant.
Coding change: c.2153G>T on transcript NM_004304.5 (MANE Select); coding-DNA position 2153, G replaced by T.
Protein change: p.Gly718Val; replaces glycine 718 with valine.
Molecular consequence: missense variant.
Genome position (GRCh38, 1-based): chr2:29,251,156, C>A on the plus strand (G>T on the coding strand, the complement: ALK is on the minus strand). VCF-style: chr2-29251156-C-A. GRCh37 (hg19) VCF-style: chr2-29474022-C-A.
Other names: short protein forms G718V.
Identifiers: ClinVar variation 1692776 (VCV001692776.1), dbSNP rs1573160519, ClinGen allele CA346476850.
Genomic context (GRCh38, chr2:29,251,156, plus strand): 5'-CATACGCACCTGTAGGTGTCGGTGGCTGGCACCTTCCAGATCTGGATGCCTTTCAGGGGG[C>A]CCTCGCTCCCCACCTCCACGCTCAGGTTGGAGTTCTGGTAGGCGTTGTTGCACTGTGCCT-3'
Protein context (NP_004295.2, residues 708-728): SNLSVEVGSE[Gly718Val]PLKGIQIWKV